The following is an entry in ClinVar:

ClinVar aggregate classification (germline): Uncertain significance (1 of 4 stars; one submission).

Conditions:
Hereditary cancer-predisposing syndrome. Also called: Neoplastic Syndromes, Hereditary; Tumor predisposition; Hereditary neoplastic syndrome; Hereditary Cancer Syndrome. Identifiers: Orphanet 140162, MedGen C0027672, MeSH D009386, MONDO:0015356.

Submission:

Ambry Genetics
Classification: Uncertain significance for Hereditary cancer-predisposing syndrome. Last evaluated: 2026-08-05. Review status: criteria provided, single submitter. Criteria: Ambry Variant Classification Scheme 2023. Collection method: clinical testing. Allele origin: germline.
Comment: The p.M840K variant (also known as c.2519T>A), located in coding exon 10 of the MET gene, results from a T to A substitution at nucleotide position 2519. The methionine at codon 840 is replaced by lysine, an amino acid with similar properties. This amino acid position is conserved. In addition, this alteration is predicted to be tolerated by in silico analysis. Based on the available evidence, the clinical significance of this variant remains unclear.

NM_000245.4(MET):c.2465T>A (p.Met822Lys)

Gene: MET (MET proto-oncogene, receptor tyrosine kinase; plus strand). Cytogenetic location: 7q31.2.
Variant type: single nucleotide variant.
Coding change: c.2465T>A on transcript NM_000245.4 (MANE Select); coding-DNA position 2465, T replaced by A.
Protein change: p.Met822Lys; replaces methionine 822 with lysine.
Molecular consequence: missense variant.
Genome position (GRCh38, 1-based): chr7:116,763,150, T>A. VCF-style: chr7-116763150-T-A. GRCh37 (hg19) VCF-style: chr7-116403204-T-A.
Other names: c.2519T>A, p.Met840Lys (NM_001127500.3); c.2465T>A, p.Met822Lys (NM_001324401.3); c.1175T>A, p.Met392Lys (NM_001324402.2); short protein forms M392K, M840K, M822K.
Identifiers: ClinVar variation 5024418 (VCV005024418.1).